The following is an entry in ClinVar:

ClinVar aggregate classification (germline): Pathogenic (1 of 4 stars; one submission).

Conditions:
Osteogenesis imperfecta type I (OI1). Also called: Lobstein's Disease; OI, TYPE I; OSTEOGENESIS IMPERFECTA TARDA; OSTEOGENESIS IMPERFECTA WITH BLUE SCLERAE; Osteogenesis imperfecta type 1; Lobstein disease. Identifiers: Orphanet 216796, Orphanet 666, MedGen C0023931, MONDO:0008146, OMIM 166200. Disease mechanism: loss of function.

Submission:

Labcorp Genetics (formerly Invitae), Labcorp
Classification: Pathogenic for Osteogenesis imperfecta type I. Last evaluated: 2019-09-17. Review status: criteria provided, single submitter. Criteria: Invitae Variant Classification Sherloc (09022015). Collection method: clinical testing. Allele origin: germline.
Comment: For these reasons, this variant has been classified as Pathogenic. Loss-of-function variants in COL1A1 are known to be pathogenic (PMID: 7942841, 9295084, 9443882). This variant has not been reported in the literature in individuals with COL1A1-related conditions. This variant is a gross deletion of the genomic region encompassing exons 1-21 of the COL1A1 gene, which includes the initiator codon. The 5' end of this event is unknown as it extends beyond the assayed region for this gene and therefore may encompass additional genes. The 3' boundary is likely confined to intron 21 of the COL1A1 gene. This is expected to result in an absent or disrupted protein product.

Literature cited by the submitters: PubMed 7942841; PubMed 9295084; PubMed 9443882.

NC_000017.11:g.(?_50194701)_(50203629_?)del

Gene: COL1A1 (collagen type I alpha 1 chain; minus strand). Cytogenetic location: 17q21.33.
Variant type: Deletion.
Identifiers: ClinVar variation 833294 (VCV000833294.3).